The following is an entry in ClinVar:

NM_015915.5(ATL1):c.209T>A (p.Val70Glu)

Gene: ATL1 (atlastin GTPase 1; plus strand). Cytogenetic location: 14q22.1.
Variant type: single nucleotide variant.
Coding change: c.209T>A on transcript NM_015915.5 (MANE Select); coding-DNA position 209, T replaced by A.
Protein change: p.Val70Glu; replaces valine 70 with glutamic acid.
Molecular consequence: missense variant.
Genome position (GRCh38, 1-based): chr14:50,588,005, T>A. VCF-style: chr14-50588005-T-A. GRCh37 (hg19) VCF-style: chr14-51054723-T-A.
Other names: c.209T>A, p.Val70Glu (NM_001127713.1, NM_181598.4); short protein forms V70E.
Identifiers: ClinVar variation 1304917 (VCV001304917.2), dbSNP rs2140201941, ClinGen allele CA389665835.
Genomic context (GRCh38, chr14:50,588,005, plus strand): 5'-AAACTGCATTAAATCGGATCCTTCTCTCGGAGGCTGTCAGAGACAAGGAGGTTGTTGCTG[T>A]ATCTGTTGCTGGAGCATTTAGAAAAGGAAAATCATTCCTGATGGACTTCATGTTGAGATA-3'
Protein context (NP_056999.2, residues 60-80): EAVRDKEVVA[Val70Glu]SVAGAFRKGK

ClinVar aggregate classification (germline): Uncertain significance (1 of 4 stars; one submission).

Submission:

GeneDx
Classification: Uncertain significance. Last evaluated: 2019-04-18. Review status: criteria provided, single submitter. Criteria: GeneDx Variant Classification Process June 2021. Collection method: clinical testing. Allele origin: germline. Affected: yes.
Comment: Not observed in large population cohorts (Lek et al., 2016); In silico analysis, which includes protein predictors and evolutionary conservation, supports a deleterious effect; Has not been previously published as pathogenic or benign to our knowledge